The following is an entry in ClinVar:

ClinVar aggregate classification (germline): Pathogenic. Review status: criteria provided, multiple submitters, no conflicts (2 of 4 stars). 2 submissions from 2 submitters: Pathogenic (2). Last evaluated 2021-06-30.

Conditions:
Joubert syndrome 6 (JBTS6). Identifiers: Orphanet 475, MedGen C1853153, MONDO:0012539, OMIM 610688.
Meckel syndrome, type 3 (MKS3). Also called: MECKEL-GRUBER SYNDROME, TYPE 3. Identifiers: Orphanet 564, MedGen C1846357, MONDO:0011821, OMIM 607361.
Bardet-Biedl syndrome 14 (BBS14). Identifiers: Orphanet 110, MedGen C2673874, MONDO:0014442, OMIM 615991.
Nephronophthisis 11 (NPHP11). Identifiers: Orphanet 84081, MedGen C3150796, MONDO:0013302, OMIM 613550.
COACH syndrome 1. Identifiers: Orphanet 1454, MedGen C5435651, MONDO:0800103, OMIM 216360, MONDO:0008996.
RHYNS syndrome. Also called: RETINITIS PIGMENTOSA SYNDROME; RETINITIS PIGMENTOSA, HYPOPITUITARISM, NEPHRONOPHTHISIS, AND MILD SKELETAL DYSPLASIA. Identifiers: Orphanet 140976, MedGen C1865794, MONDO:0011202, OMIM 602152.

Allele frequency attached by ClinVar (database versions not stated): gnomAD exomes below 0.00001.
gnomAD v4.1: 1 of 1,595,618 alleles (0.000063%); highest among the groups gnomAD compares: Non-Finnish European, 0.000086%; no homozygotes.

Submissions (2):

Fulgent Genetics
Classification: Pathogenic for COACH syndrome 1; RHYNS syndrome; Meckel syndrome, type 3; Joubert syndrome 6; Nephronophthisis 11; Bardet-Biedl syndrome 14. Last evaluated: 2021-06-30. Review status: criteria provided, single submitter. Criteria: ACMG Guidelines, 2015. Collection method: clinical testing. Allele origin: unknown.
Comment: This variant has been detected in individual(s) who were sent for testing of Renasight - kidney gene panel.

Eurofins Ntd Llc (ga)
Classification: Pathogenic. Last evaluated: 2016-11-04. Review status: criteria provided, single submitter. Criteria: EGL Classification Definitions 2015. Collection method: clinical testing. Allele origin: germline. Observed: 1 variant allele, 1 heterozygote.

NM_153704.6(TMEM67):c.2410G>T (p.Glu804Ter)

Gene: TMEM67 (transmembrane protein 67; plus strand). Cytogenetic location: 8q22.1.
Variant type: single nucleotide variant.
Coding change: c.2410G>T on transcript NM_153704.6 (MANE Select); coding-DNA position 2410, G replaced by T.
Protein change: p.Glu804Ter; replaces glutamic acid 804 with a stop codon.
Molecular consequence: nonsense. On other transcripts: non-coding transcript variant (1).
Genome position (GRCh38, 1-based): chr8:93,804,849, G>T. VCF-style: chr8-93804849-G-T. GRCh37 (hg19) VCF-style: chr8-94817077-G-T.
Other names: c.2167G>T, p.Glu723Ter (NM_001142301.1); short protein forms E723*, E804*.
Identifiers: ClinVar variation 497982 (VCV000497982.7), dbSNP rs1554558363, ClinGen allele CA371698328.